The following is an entry in ClinVar:

NM_020975.6(RET):c.2832C>G (p.Ile944Met)

Gene: RET (ret proto-oncogene; plus strand). Cytogenetic location: 10q11.21.
Variant type: single nucleotide variant.
Coding change: c.2832C>G on transcript NM_020975.6 (MANE Select); coding-DNA position 2832, C replaced by G.
Protein change: p.Ile944Met; replaces isoleucine 944 with methionine.
Molecular consequence: missense variant.
Genome position (GRCh38, 1-based): chr10:43,123,701, C>G. VCF-style: chr10-43123701-C-G. GRCh37 (hg19) VCF-style: chr10-43619149-C-G.
Other names: c.2832C>G, p.Ile944Met (NM_000323.2, NM_001406743.1, NM_001406744.1 and 4 more transcripts); c.2070C>G, p.Ile690Met (NM_001355216.2); c.2703C>G, p.Ile901Met (NM_001406761.1, NM_001406762.1, NM_001406764.1); c.2697C>G, p.Ile899Met (NM_001406763.1, NM_001406765.1); c.2106C>G, p.Ile702Met (NM_001406776.1, NM_001406777.1, NM_001406778.1 and 1 more transcripts); c.1935C>G, p.Ile645Met (NM_001406779.1, NM_001406780.1, NM_001406781.1 and 1 more transcripts); c.1806C>G, p.Ile602Met (NM_001406783.1, NM_001406786.1); c.1842C>G, p.Ile614Met (NM_001406784.1); and 10 more; short protein forms I944M, I690M, I509M, I602M, I645M, I901M, I600M, I769M.
Identifiers: ClinVar variation 618966 (VCV000618966.65), dbSNP rs755606269, ClinGen allele CA376557779.
Genomic context (GRCh38, chr10:43,123,701, plus strand): 5'-GCCACTCACTGGTCCTTTCACTCTCTGCAGATGGTCTTTTGGTGTCCTGCTGTGGGAGAT[C>G]GTGACCCTAGGGGGAAACCCCTATCCTGGGATTCCTCCTGAGCGGCTCTTCAACCTTCTG-3'
Protein context (NP_066124.1, residues 934-954): VWSFGVLLWE[Ile944Met]VTLGGNPYPG

ClinVar aggregate classification (germline): Uncertain significance. Review status: criteria provided, multiple submitters, no conflicts (2 of 4 stars). 3 submissions from 3 submitters: Uncertain significance (3). Last evaluated 2023-12-01.

Conditions:
Hirschsprung disease, susceptibility to, 1 (HSCR1). Also called: RET-Related Hirschsprung Disease. Identifiers: Orphanet 388, MedGen C3888239, MONDO:0007723, OMIM 142623.
Multiple endocrine neoplasia type 2B. Also called: MEN 2B; MUCOSAL NEUROMA SYNDROME; Multiple endocrine neoplasia, type 3; MULTIPLE ENDOCRINE NEOPLASIA, TYPE IIB; Multiple Endocrine Neoplasia Type 2B (MEN2B); MEN IIB. Identifiers: Orphanet 247709, Orphanet 653, MedGen C0025269, MeSH D018814, MONDO:0008082, OMIM 162300.
Pheochromocytoma. Also called: MAX-Related Hereditary Paraganglioma-Pheochromocytoma Syndrome. Identifiers: Orphanet 29072, MedGen C0031511, MONDO:0008233, OMIM 171300, HP:0002666.
Familial medullary thyroid carcinoma (MTC). Also called: Thyroid cancer, familial medullary; MTC, familial; Familial Medullary Thyroid Carcinoma (FMTC). Identifiers: Orphanet 653, Orphanet 99361, MedGen C1833921, MONDO:0007958, OMIM 155240.
Multiple endocrine neoplasia type 2A. Also called: MULTIPLE ENDOCRINE NEOPLASIA, TYPE IIA; PTC SYNDROME; SIPPLE SYNDROME; MEN 2A; MEN-2A syndrome; Pheochromocytoma and amyloid producing medullary thyroid carcinoma. Identifiers: Orphanet 247698, Orphanet 653, MedGen C0025268, MeSH D018813, MONDO:0008234, OMIM 171400.
Multiple endocrine neoplasia, type 2 (MEN2). Identifiers: Orphanet 653, MedGen C4048306, MONDO:0019003. Disease mechanism: gain of function.

gnomAD v4.1: 1 of 1,614,154 alleles (0.000062%); no homozygotes.

Submissions (3):

CeGaT Center for Human Genetics Tuebingen
Classification: Uncertain significance. Last evaluated: 2023-12-01. Review status: criteria provided, single submitter. Criteria: CeGaT Center For Human Genetics Tuebingen Variant Classification Criteria Version 2. Collection method: clinical testing. Allele origin: germline. Affected: yes. Observed: 1 variant allele.
Comment: RET: PM2, PP3

Department of Pathology and Laboratory Medicine, Sinai Health System
Classification: Uncertain significance for Hirschsprung disease, susceptibility to, 1; Familial medullary thyroid carcinoma; Multiple endocrine neoplasia type 2B; Pheochromocytoma; Multiple endocrine neoplasia type 2A. Last evaluated: 2023-03-02. Review status: criteria provided, single submitter. Criteria: ACMG Guidelines, 2015. Collection method: clinical testing. Allele origin: germline. Affected: yes.

Labcorp Genetics (formerly Invitae), Labcorp
Classification: Uncertain significance for Multiple endocrine neoplasia, type 2. Last evaluated: 2022-09-21. Review status: criteria provided, single submitter. Criteria: Invitae Variant Classification Sherloc (09022015). Collection method: clinical testing. Allele origin: germline.
Comment: In summary, the available evidence is currently insufficient to determine the role of this variant in disease. Therefore, it has been classified as a Variant of Uncertain Significance. Algorithms developed to predict the effect of missense changes on protein structure and function are either unavailable or do not agree on the potential impact of this missense change (SIFT: "Deleterious"; PolyPhen-2: "Probably Damaging"; Align-GVGD: "Class C0"). This variant has not been reported in the literature in individuals affected with RET-related conditions. This variant is not present in population databases (gnomAD no frequency). This sequence change replaces isoleucine, which is neutral and non-polar, with methionine, which is neutral and non-polar, at codon 944 of the RET protein (p.Ile944Met).